The following is an entry in ClinVar:

NM_004655.4(AXIN2):c.2123C>G (p.Ser708Trp)

Gene: AXIN2 (axin 2; minus strand). Cytogenetic location: 17q24.1.
Variant type: single nucleotide variant.
Coding change: c.2123C>G on transcript NM_004655.4 (MANE Select); coding-DNA position 2123, C replaced by G.
Protein change: p.Ser708Trp; replaces serine 708 with tryptophan.
Molecular consequence: missense variant.
Genome position (GRCh38, 1-based): chr17:65,536,338, G>C on the plus strand (C>G on the coding strand, the complement: AXIN2 is on the minus strand). VCF-style: chr17-65536338-G-C. GRCh37 (hg19) VCF-style: chr17-63532456-G-C.
Other names: c.1928C>G, p.Ser643Trp (NM_001363813.1); short protein forms S708W, S643W.
Identifiers: ClinVar variation 834473 (VCV000834473.12), dbSNP rs587780123, ClinGen allele CA400675940.

ClinVar aggregate classification (germline): Uncertain significance. Review status: criteria provided, multiple submitters, no conflicts (2 of 4 stars). 3 submissions from 3 submitters: Uncertain significance (3). Last evaluated 2024-08-06.

Conditions:
Hereditary cancer-predisposing syndrome. Also called: Hereditary neoplastic syndrome; Neoplastic Syndromes, Hereditary; Tumor predisposition; Hereditary Cancer Syndrome. Identifiers: Orphanet 140162, MedGen C0027672, MeSH D009386, MONDO:0015356.
Oligodontia-cancer predisposition syndrome. Also called: TOOTH AGENESIS-COLORECTAL CANCER SYNDROME. Identifiers: Orphanet 300576, MedGen C1837750, MONDO:0012075, OMIM 608615. Disease mechanism: loss of function.

Submissions (3):

Ambry Genetics
Classification: Uncertain significance for Hereditary cancer-predisposing syndrome. Last evaluated: 2024-08-06. Review status: criteria provided, single submitter. Criteria: Ambry Variant Classification Scheme 2023. Collection method: clinical testing. Allele origin: germline.
Comment: The p.S708W variant (also known as c.2123C>G), located in coding exon 7 of the AXIN2 gene, results from a C to G substitution at nucleotide position 2123. The serine at codon 708 is replaced by tryptophan, an amino acid with highly dissimilar properties. This amino acid position is highly conserved in available vertebrate species. In addition, this alteration is predicted to be deleterious by in silico analysis. Based on the available evidence, the clinical significance of this variant remains unclear.

Labcorp Genetics (formerly Invitae), Labcorp
Classification: Uncertain significance for Oligodontia-cancer predisposition syndrome. Last evaluated: 2024-04-15. Review status: criteria provided, single submitter. Criteria: Invitae Variant Classification Sherloc (09022015). Collection method: clinical testing. Allele origin: germline.
Comment: This sequence change replaces serine, which is neutral and polar, with tryptophan, which is neutral and slightly polar, at codon 708 of the AXIN2 protein (p.Ser708Trp). This variant is not present in population databases (gnomAD no frequency). This variant has not been reported in the literature in individuals affected with AXIN2-related conditions. ClinVar contains an entry for this variant (Variation ID: 834473). Advanced modeling of protein sequence and biophysical properties (such as structural, functional, and spatial information, amino acid conservation, physicochemical variation, residue mobility, and thermodynamic stability) performed at Invitae indicates that this missense variant is expected to disrupt AXIN2 protein function with a positive predictive value of 80%. In summary, the available evidence is currently insufficient to determine the role of this variant in disease. Therefore, it has been classified as a Variant of Uncertain Significance.

Quest Diagnostics Nichols Institute San Juan Capistrano
Classification: Uncertain significance. Last evaluated: 2024-04-14. Review status: criteria provided, single submitter. Criteria: Quest Diagnostics criteria. Collection method: clinical testing. Allele origin: unknown.
Comment: The AXIN2 c.2123C>G (p.Ser708Trp) variant has not been reported in individuals with AXIN2-related conditions in the published literature. It also has not been reported in large, multi-ethnic general populations (Genome Aggregation Database). Analysis of this variant using bioinformatics tools for the prediction of the effect of amino acid changes on protein structure and function yielded conflicting predictions that this variant is benign or damaging. Additional analysis using software algorithms for the prediction of the effect of nucleotide changes on AXIN2 mRNA splicing yielded predictions that this variant may result in the gain of a cryptic splice site without affecting the natural splice sites. Based on the available information, we are unable to determine the clinical significance of this variant.